The following is an entry in ClinVar:

NM_000399.5(EGR2):c.460A>G (p.Met154Val)

Gene: EGR2 (early growth response 2; minus strand). Cytogenetic location: 10q21.3.
Variant type: single nucleotide variant.
Coding change: c.460A>G on transcript NM_000399.5 (MANE Select); coding-DNA position 460, A replaced by G.
Protein change: p.Met154Val; replaces methionine 154 with valine.
Molecular consequence: missense variant.
Genome position (GRCh38, 1-based): chr10:62,814,178, T>C on the plus strand (A>G on the coding strand, the complement: EGR2 is on the minus strand). VCF-style: chr10-62814178-T-C. GRCh37 (hg19) VCF-style: chr10-64573938-T-C.
Other names: c.460A>G, p.Met154Val (NM_001136177.3, NM_001136178.2); c.310A>G, p.Met104Val (NM_001136179.3, NM_001321037.2); short protein forms M154V, M104V.
Identifiers: ClinVar variation 948501 (VCV000948501.8), dbSNP rs757301326, ClinGen allele CA5517272.

ClinVar aggregate classification (germline): Uncertain significance (1 of 4 stars; one submission).

Conditions:
Charcot-Marie-Tooth disease, type I (CMT1). Also called: Charcot-Marie-Tooth, Type 1; Charcot-Marie-Tooth disease type 1. Identifiers: Orphanet 65753, MedGen C0751036, MONDO:0019011.

Allele frequency attached by ClinVar (database versions not stated): ExAC 0.00001; gnomAD exomes 0.00001.

Submission:

Labcorp Genetics (formerly Invitae), Labcorp
Classification: Uncertain significance for Charcot-Marie-Tooth disease, type I. Last evaluated: 2019-06-17. Review status: criteria provided, single submitter. Criteria: Invitae Variant Classification Sherloc (09022015). Collection method: clinical testing. Allele origin: germline.
Comment: This sequence change replaces methionine with valine at codon 154 of the EGR2 protein (p.Met154Val). The methionine residue is moderately conserved and there is a small physicochemical difference between methionine and valine. This variant is present in population databases (rs757301326, ExAC 0.001%). This variant has not been reported in the literature in individuals with EGR2-related conditions. Algorithms developed to predict the effect of missense changes on protein structure and function (SIFT, PolyPhen-2, Align-GVGD) all suggest that this variant is likely to be tolerated, but these predictions have not been confirmed by published functional studies and their clinical significance is uncertain. In summary, the available evidence is currently insufficient to determine the role of this variant in disease. Therefore, it has been classified as a Variant of Uncertain Significance.